The following is an entry in ClinVar:

ClinVar aggregate classification (germline): Pathogenic. Review status: reviewed by expert panel (3 of 4 stars). 3 submissions from 3 submitters: Pathogenic (1). 2 of the submissions do not count toward it. Last evaluated 2016-10-18.

Conditions:
Breast-ovarian cancer, familial, susceptibility to, 2 (BROVCA2). Also called: BRCA2 Hereditary Breast and Ovarian Cancer. Identifiers: Orphanet 145, MedGen C2675520, MONDO:0012933, OMIM 612555. Disease mechanism: loss of function.
Hereditary cancer-predisposing syndrome. Also called: Neoplastic Syndromes, Hereditary; Tumor predisposition; Hereditary neoplastic syndrome; Hereditary Cancer Syndrome. Identifiers: Orphanet 140162, MedGen C0027672, MeSH D009386, MONDO:0015356.

Submissions (3):

Evidence-based Network for the Interpretation of Germline Mutant Alleles (ENIGMA)
Classification: Pathogenic for Breast-ovarian cancer, familial, susceptibility to, 2. Last evaluated: 2016-10-18. Review status: reviewed by expert panel. Criteria: ENIGMA BRCA1/2 Classification Criteria (2015). Collection method: curation. Allele origin: germline.
Comment: Variant allele predicted to encode a truncated non-functional protein.

Ambry Genetics
Classification: Pathogenic for Hereditary cancer-predisposing syndrome. Last evaluated: 2018-09-05. Review status: criteria provided, single submitter. Criteria: Ambry Variant Classification Scheme 2023. Collection method: clinical testing. Allele origin: germline. Not counted in ClinVar's aggregate classification.
Comment: The c.7671delA pathogenic mutation, located in coding exon 15 of the BRCA2 gene, results from a deletion of one nucleotide at nucleotide position 7671, causing a translational frameshift with a predicted alternate stop codon (p.E2558Sfs*90). This alteration has been reported in two families from the French National BRCA1 and BRCA2 mutations carrier cohort (GENEPSO) (Lecarpentier J et al. Breast Cancer Res., 2012 Jul;14:R99). In addition to the clinical data presented in the literature, this alteration is expected to result in loss of function by premature protein truncation or nonsense-mediated mRNA decay. As such, this alteration is interpreted as a disease-causing mutation.

Consortium of Investigators of Modifiers of BRCA1/2 (CIMBA), c/o University of Cambridge
Classification: Pathogenic for Breast-ovarian cancer, familial, susceptibility to, 2. Last evaluated: 2015-10-02. Review status: criteria provided, single submitter. Criteria: CIMBA Mutation Classification guidelines May 2016. Collection method: clinical testing. Allele origin: germline. Not counted in ClinVar's aggregate classification.

Literature cited by the submitters: PubMed 22762150 (cited by Ambry Genetics).

NM_000059.4(BRCA2):c.7671del (p.Glu2558fs)

Gene: BRCA2 (BRCA2 DNA repair associated; plus strand). Cytogenetic location: 13q13.1.
Variant type: Deletion.
Coding change: c.7671del on transcript NM_000059.4 (MANE Select); coding-DNA position 7671, one base deleted (A; older notation c.7671delA).
Protein change: p.Glu2558fs; shifts the reading frame from glutamic acid 2558.
Molecular consequence: frameshift variant.
Genome position (GRCh38, 1-based): chr13:32,357,795, A deleted. VCF-style (leftmost placement, unchanged base first): chr13-32357794-CA-C. GRCh37 (hg19) VCF-style: chr13-32931931-CA-C.
Other names: 7899delA-ter2647; c.7671delA (NM_000059.3).
Identifiers: ClinVar variation 52379 (VCV000052379.11), dbSNP rs397507928, ClinGen allele CA025216.